The following is an entry in ClinVar:

ClinVar aggregate classification (germline): Uncertain significance (1 of 4 stars; one submission).

Conditions:
NF1-related disorder. Also called: NF1-related condition. Identifiers: MedGen CN379171.

Submission:

PreventionGenetics, part of Exact Sciences
Classification: Uncertain significance for NF1-related condition. Last evaluated: 2023-10-03. Review status: criteria provided, single submitter. Criteria: ACMG Guidelines, 2015. Collection method: clinical testing. Allele origin: germline.
Comment: The NF1 c.497T>C variant is predicted to result in the amino acid substitution p.Val166Ala. To our knowledge, this variant has not been reported in the literature or in a large population database, indicating this variant is rare. At this time, the clinical significance of this variant is uncertain due to the absence of conclusive functional and genetic evidence.

NM_001042492.3(NF1):c.497T>C (p.Val166Ala)

Gene: NF1 (neurofibromin 1; plus strand). Cytogenetic location: 17q11.2.
Variant type: single nucleotide variant.
Coding change: c.497T>C on transcript NM_001042492.3 (MANE Select); coding-DNA position 497, T replaced by C.
Protein change: p.Val166Ala; replaces valine 166 with alanine.
Molecular consequence: missense variant.
Genome position (GRCh38, 1-based): chr17:31,169,908, T>C. VCF-style: chr17-31169908-T-C. GRCh37 (hg19) VCF-style: chr17-29496926-T-C.
Other names: c.497T>C, p.Val166Ala (NM_000267.4, NM_001128147.3); short protein forms V166A.
Identifiers: ClinVar variation 2630944 (VCV002630944.1), dbSNP rs2143707034, ClinGen allele CA398984794.